The following is an entry in ClinVar:

NM_001273.5(CHD4):c.159G>A (p.Lys53=)

Gene: CHD4 (chromodomain helicase DNA binding protein 4; minus strand). Cytogenetic location: 12p13.31.
Variant type: single nucleotide variant.
Coding change: c.159G>A on transcript NM_001273.5 (MANE Select); coding-DNA position 159, G replaced by A.
Protein change: p.Lys53=; no amino-acid change (lysine 53 retained).
Molecular consequence: synonymous variant.
Genome position (GRCh38, 1-based): chr12:6,602,439, C>T on the plus strand (G>A on the coding strand, the complement: CHD4 is on the minus strand). VCF-style: chr12-6602439-C-T. GRCh37 (hg19) VCF-style: chr12-6711605-C-T.
Other names: c.159G>A, p.Lys53= (NM_001297553.2, NM_001363606.2).
Identifiers: ClinVar variation 2958416 (VCV002958416.17), dbSNP rs749989939, ClinGen allele CA6412610.

ClinVar aggregate classification (germline): Likely benign. Review status: criteria provided, multiple submitters, no conflicts (2 of 4 stars). 2 submissions from 2 submitters: Likely benign (2). Last evaluated 2024-11-01.

Allele frequency attached by ClinVar (database versions not stated): ExAC 0.00001; gnomAD 0.00002; gnomAD exomes 0.00003; TOPMed 0.00003.
gnomAD v4.1: 51 of 1,613,984 alleles (0.0032%); highest among the groups gnomAD compares: Non-Finnish European, 0.0038%; no homozygotes.

Submissions (2):

CeGaT Center for Human Genetics Tuebingen
Classification: Likely benign. Last evaluated: 2024-11-01. Review status: criteria provided, single submitter. Criteria: CeGaT Center For Human Genetics Tuebingen Variant Classification Criteria Version 2. Collection method: clinical testing. Allele origin: germline. Affected: yes. Observed: 1 variant allele.
Comment: CHD4: BP4, BP7

Labcorp Genetics (formerly Invitae), Labcorp
Classification: Likely benign. Last evaluated: 2023-03-17. Review status: criteria provided, single submitter. Criteria: Invitae Variant Classification Sherloc (09022015). Collection method: clinical testing. Allele origin: germline.